The following is an entry in ClinVar:

ClinVar aggregate classification (germline): Likely benign (1 of 4 stars; one submission).

gnomAD v4.1: 41 of 1,614,050 alleles (0.0025%); highest among the groups gnomAD compares: Non-Finnish European, 0.0031%; no homozygotes.

Submission:

CeGaT Center for Human Genetics Tuebingen
Classification: Likely benign. Last evaluated: 2023-02-01. Review status: criteria provided, single submitter. Criteria: CeGaT Center For Human Genetics Tuebingen Variant Classification Criteria Version 2. Collection method: clinical testing. Allele origin: germline. Affected: yes. Observed: 1 variant allele.
Comment: SIK3: BP4, BP7

NM_001366686.3(SIK3):c.3594G>C (p.Gly1198=)

Gene: SIK3 (SIK family kinase 3; minus strand). Cytogenetic location: 11q23.3.
Variant type: single nucleotide variant.
Coding change: c.3594G>C on transcript NM_001366686.3 (MANE Select); coding-DNA position 3594, G replaced by C.
Protein change: p.Gly1198=; no amino-acid change (glycine 1198 retained).
Molecular consequence: synonymous variant.
Genome position (GRCh38, 1-based): chr11:116,857,871, C>G on the plus strand (G>C on the coding strand, the complement: SIK3 is on the minus strand). VCF-style: chr11-116857871-C-G. GRCh37 (hg19) VCF-style: chr11-116728587-C-G.
Other names: c.2793G>C, p.Gly931= (NM_001281748.3); c.3270G>C, p.Gly1090= (NM_001281749.3); c.3450G>C, p.Gly1150= (NM_025164.6).
Identifiers: ClinVar variation 2642399 (VCV002642399.24), dbSNP rs753476055, ClinGen allele CA229281613.